The following is an entry in ClinVar:

ClinVar aggregate classification (germline): Likely benign (0 of 4 stars; one submission).

Conditions:
CAMK2A-related disorder. Also called: CAMK2A-related condition.

Submission:

PreventionGenetics, part of Exact Sciences
Classification: Likely benign for CAMK2A-related condition. Last evaluated: 2019-08-22. Review status: no assertion criteria provided. Collection method: clinical testing. Allele origin: germline.
Comment: This variant is classified as likely benign based on ACMG/AMP sequence variant interpretation guidelines (Richards et al. 2015 PMID: 25741868, with internal and published modifications).

NM_015981.4(CAMK2A):c.312G>C (p.Arg104=)

Gene: CAMK2A (calcium/calmodulin dependent protein kinase II alpha; minus strand). Cytogenetic location: 5q32.
Variant type: single nucleotide variant.
Coding change: c.312G>C on transcript NM_015981.4 (MANE Select); coding-DNA position 312, G replaced by C.
Protein change: p.Arg104=; no amino-acid change (arginine 104 retained).
Molecular consequence: synonymous variant.
Genome position (GRCh38, 1-based): chr5:150,256,792, C>G on the plus strand (G>C on the coding strand, the complement: CAMK2A is on the minus strand). VCF-style: chr5-150256792-C-G. GRCh37 (hg19) VCF-style: chr5-149636355-C-G.
Other names: c.312G>C, p.Arg104= (NM_001363989.1, NM_001363990.1, NM_001369025.2 and 1 more transcripts).
Identifiers: ClinVar variation 3052570 (VCV003052570.2), dbSNP rs55856831, ClinGen allele CA447160244.